The following is an entry in ClinVar:

ClinVar aggregate classification (germline): Uncertain significance. Review status: criteria provided, multiple submitters, no conflicts (2 of 4 stars). 2 submissions from 2 submitters: Uncertain significance (2). Last evaluated 2022-02-24.

Conditions:
Arrhythmogenic cardiomyopathy with wooly hair and keratoderma. Also called: Carvajal syndrome; PALMOPLANTAR KERATODERMA WITH LEFT VENTRICULAR CARDIOMYOPATHY AND WOOLLY HAIR; Arrhythmogenic cardiomyopathy with woolly hair and keratoderma; Dilated cardiomyopathy with woolly hair and keratoderma. Identifiers: Orphanet 65282, MedGen C1854063, MONDO:0011581, OMIM 605676.
Arrhythmogenic right ventricular dysplasia 8 (ARVD8). Also called: Arrhythmogenic Right Ventricular Dysplasia/Cardiomyopathy 8; ARRHYTHMOGENIC RIGHT VENTRICULAR DYSPLASIA, FAMILIAL, 8; ARRHYTHMOGENIC RIGHT VENTRICULAR CARDIOMYOPATHY 8. Identifiers: MedGen C1843896, MONDO:0011831, OMIM 607450.

Allele frequency attached by ClinVar (database versions not stated): gnomAD exomes below 0.00001; ExAC 0.00001.
gnomAD v4.1: 1 of 1,610,484 alleles (0.000062%); highest among the groups gnomAD compares: Non-Finnish European, 0.000085%; no homozygotes.

Submissions (2):

Labcorp Genetics (formerly Invitae), Labcorp
Classification: Uncertain significance for Arrhythmogenic cardiomyopathy with wooly hair and keratoderma; Arrhythmogenic right ventricular dysplasia 8. Last evaluated: 2022-02-24. Review status: criteria provided, single submitter. Criteria: Invitae Variant Classification Sherloc (09022015). Collection method: clinical testing. Allele origin: germline.
Comment: In summary, the available evidence is currently insufficient to determine the role of this variant in disease. Therefore, it has been classified as a Variant of Uncertain Significance. Variants that disrupt the consensus splice site are a relatively common cause of aberrant splicing (PMID: 17576681, 9536098). Algorithms developed to predict the effect of sequence changes on RNA splicing suggest that this variant is not likely to affect RNA splicing. ClinVar contains an entry for this variant (Variation ID: 418640). This variant has not been reported in the literature in individuals affected with DSP-related conditions. This variant is present in population databases (rs765089914, gnomAD 0.0009%). This sequence change falls in intron 8 of the DSP gene. It does not directly change the encoded amino acid sequence of the DSP protein. It affects a nucleotide within the consensus splice site.

GeneDx
Classification: Uncertain significance. Last evaluated: 2016-12-01. Review status: criteria provided, single submitter. Criteria: GeneDx Variant Classification (06012015). Collection method: clinical testing. Allele origin: germline. Affected: yes.
Comment: The c.1044+3 A>G variant of uncertain significance in the DSP gene not been published as a pathogenic or benign variant to our knowledge. This variant was not observed in approximately 6,500 individuals of European and African American ancestry in the NHLBI Exome Sequencing Project or with any significant frequency in the Exome Aggregation Consortium, indicating it is not a common benign variant in these populations. Nevertheless, this substitution occurs at a position that is not conserved across species, and Guanine is tolerated at position c.1044+3 in at least nine species. Furthermore, splice site prediction algorithms are inconclusive as to whether or not this variant causes abnormal gene splicing. In the absence of functional mRNA studies, the physiological consequence of this variant cannot be precisely determined. Therefore, based on the currently available information, it is unclear whether this variant is pathogenic or benign

Literature cited by the submitters: PubMed 17576681 (cited by Labcorp Genetics (formerly Invitae), Labcorp); PubMed 9536098 (cited by Labcorp Genetics (formerly Invitae), Labcorp).

NM_004415.4(DSP):c.1044+3A>G

Gene: DSP (desmoplakin; plus strand). Cytogenetic location: 6p24.3.
Variant type: single nucleotide variant.
Coding change: c.1044+3A>G on transcript NM_004415.4 (MANE Select); 3 bases into the intron after coding-DNA position 1044, A replaced by G.
Molecular consequence: intron variant.
Genome position (GRCh38, 1-based): chr6:7,566,484, A>G. VCF-style: chr6-7566484-A-G. GRCh37 (hg19) VCF-style: chr6-7566717-A-G.
Other names: c.1044+3A>G (NM_001319034.2, NM_001008844.3, LRG_423t1).
Identifiers: ClinVar variation 418640 (VCV000418640.11), dbSNP rs765089914, ClinGen allele CA026829.